The following is an entry in ClinVar:

NM_052845.4(MMAB):c.91C>T (p.Arg31Cys)

Genes: MMAB (metabolism of cobalamin associated B; minus strand), MVK (mevalonate kinase; plus strand). Cytogenetic location: 12q24.11.
Variant type: single nucleotide variant.
Coding change: c.91C>T on transcript NM_052845.4 (MANE Select); coding-DNA position 91, C replaced by T.
Protein change: p.Arg31Cys; replaces arginine 31 with cysteine.
Molecular consequence: missense variant. On other transcripts: non-coding transcript variant (1).
Genome position (GRCh38, 1-based): chr12:109,573,390, G>A on the plus strand (C>T on the coding strand, the complement: MMAB is on the minus strand). VCF-style: chr12-109573390-G-A. GRCh37 (hg19) VCF-style: chr12-110011195-G-A.
Other names: short protein forms R31C.
Identifiers: ClinVar variation 1125192 (VCV001125192.15), dbSNP rs142447736, ClinGen allele CA6779064.
Genomic context (GRCh38, chr12:109,573,390, plus strand): 5'-TCCCGCCAGCCACTCACCTGTCCCCGTCTTCCACGCCCTGAGGGCCGCGGCTCTGGAAAC[G>A]GGGATACAGGAGCCTGGCGGCGCCGAAGCACCCGCGCAGGCCAAGACGGCTCCCCAGGCC-3'
Protein context (NP_443077.1, residues 21-41): CFGAARLLYP[Arg31Cys]FQSRGPQGVE

ClinVar aggregate classification (germline): Conflicting classifications of pathogenicity. Review status: criteria provided, conflicting classifications (1 of 4 stars). 4 submissions from 4 submitters: Uncertain significance (3); Likely benign (1). Last evaluated 2026-01-19.

Conditions:
Methylmalonic aciduria, cblB type (MACB). Also called: METHYLMALONIC ACIDURIA, VITAMIN B12-RESPONSIVE, DUE TO DEFECT IN SYNTHESIS OF ADENOSYLCOBALAMIN, cblB TYPE; Vitamin B12-responsive methylmalonic acidemia type cblB; Methylmalonic acidemia cblB type. Identifiers: Orphanet 28, Orphanet 79311, MedGen C1855102, MONDO:0009614, OMIM 251110.

Allele frequency attached by ClinVar (database versions not stated): gnomAD 0.00007 and 0.00008; gnomAD exomes 0.00007; ExAC 0.00010; ESP Exome Variant Server 0.00038.
gnomAD v4.1: 205 of 1,612,304 alleles (0.013%); highest among the groups gnomAD compares: Non-Finnish European, 0.016%; no homozygotes.

Submissions (4):

Labcorp Genetics (formerly Invitae), Labcorp
Classification: Likely benign for Methylmalonic aciduria, cblB type. Last evaluated: 2026-01-19. Review status: criteria provided, single submitter. Criteria: Invitae Variant Classification Sherloc (09022015). Collection method: clinical testing. Allele origin: germline.

Women's Health and Genetics/Laboratory Corporation of America, LabCorp
Classification: Uncertain significance. Last evaluated: 2025-09-25. Review status: criteria provided, single submitter. Criteria: LabCorp Variant Classification Summary - May 2015. Collection method: clinical testing. Allele origin: germline.
Comment: Variant summary: MMAB c.91C>T (p.Arg31Cys) results in a non-conservative amino acid change in the encoded protein sequence. Algorithms developed to predict the effect of missense changes on protein structure and function all suggest that this variant is likely to be disruptive. The variant allele was found at a frequency of 7e-05 in 243682 control chromosomes. This frequency is not significantly higher than estimated for disease-causing variants in MMAB, allowing no conclusion about variant significance. To our knowledge, no occurrence of c.91C>T in individuals affected with MMAB-related conditions and no experimental evidence demonstrating its impact on protein function have been reported. ClinVar contains an entry for this variant (Variation ID: 1125192). Based on the evidence outlined above, the variant was classified as uncertain significance.

Blueprint Genetics
Classification: Uncertain significance. Last evaluated: 2023-09-14. Review status: criteria provided, single submitter. Criteria: ACMG Guidelines, 2015. Collection method: clinical testing. Allele origin: germline.

Genome-Nilou Lab
Classification: Uncertain significance for Methylmalonic aciduria, cblB type. Last evaluated: 2021-07-14. Review status: criteria provided, single submitter. Criteria: ACMG Guidelines, 2015. Collection method: clinical testing. Allele origin: germline. Affected: no.